The following is an entry in ClinVar:

ClinVar aggregate classification (germline): Uncertain significance (1 of 4 stars; one submission).

Conditions:
Lowe syndrome (OCRL). Also called: Oculocerebrorenal Syndrome; LOWE OCULOCEREBRORENAL SYNDROME; PHOSPHATIDYLINOSITOL 4,5-BISPHOSPHATE 5-PHOSPHATASE DEFICIENCY. Identifiers: Orphanet 534, MedGen C0028860, MONDO:0010645, OMIM 309000.

gnomAD v4.1: 6 of 1,211,817 alleles (0.0005%); highest among the groups gnomAD compares: South Asian, 0.0053%; no homozygotes.

Submission:

Labcorp Genetics (formerly Invitae), Labcorp
Classification: Uncertain significance for Lowe syndrome. Last evaluated: 2025-12-16. Review status: criteria provided, single submitter. Criteria: Invitae Variant Classification Sherloc (09022015). Collection method: clinical testing. Allele origin: germline.
Comment: This sequence change replaces arginine, which is basic and polar, with histidine, which is basic and polar, at codon 190 of the OCRL protein (p.Arg190His). This variant is present in population databases (rs776946722, gnomAD 0.005%). This variant has not been reported in the literature in individuals affected with OCRL-related conditions. ClinVar contains an entry for this variant (Variation ID: 1482748). Invitae Evidence Modeling of protein sequence and biophysical properties (such as structural, functional, and spatial information, amino acid conservation, physicochemical variation, residue mobility, and thermodynamic stability) has been performed for this missense variant. However, the output from this modeling did not meet the statistical confidence thresholds required to predict the impact of this variant on OCRL protein function. In summary, the available evidence is currently insufficient to determine the role of this variant in disease. Therefore, it has been classified as a Variant of Uncertain Significance.

NM_000276.4(OCRL):c.569G>A (p.Arg190His)

Gene: OCRL (OCRL inositol polyphosphate-5-phosphatase; plus strand). Cytogenetic location: Xq26.1.
Variant type: single nucleotide variant.
Coding change: c.569G>A on transcript NM_000276.4 (MANE Select); coding-DNA position 569, G replaced by A.
Protein change: p.Arg190His; replaces arginine 190 with histidine.
Molecular consequence: missense variant.
Genome position (GRCh38, 1-based): chrX:129,558,848, G>A. VCF-style: chrX-129558848-G-A. GRCh37 (hg19) VCF-style: chrX-128692825-G-A.
Other names: c.572G>A, p.Arg191His (NM_001318784.2); c.569G>A, p.Arg190His (NM_001587.4); short protein forms R191H, R190H.
Identifiers: ClinVar variation 1482748 (VCV001482748.6), dbSNP rs776946722, ClinGen allele CA10512057.